The following is an entry in ClinVar:

ClinVar aggregate classification (germline): Uncertain significance (1 of 4 stars; one submission).

Conditions:
Ulnar-mammary syndrome (UMS). Also called: Ulnar-mammary syndrome of Pallister; SCHINZEL SYNDROME; PALLISTER ULNAR-MAMMARY SYNDROME. Identifiers: Orphanet 3138, MedGen C1866994, MONDO:0008411, OMIM 181450.

Submission:

Labcorp Genetics (formerly Invitae), Labcorp
Classification: Uncertain significance for Ulnar-mammary syndrome. Last evaluated: 2025-09-13. Review status: criteria provided, single submitter. Criteria: Invitae Variant Classification Sherloc (09022015). Collection method: clinical testing. Allele origin: germline.
Comment: This sequence change replaces threonine, which is neutral and polar, with isoleucine, which is neutral and non-polar, at codon 339 of the TBX3 protein (p.Thr339Ile). This variant is not present in population databases (gnomAD no frequency). This variant has not been reported in the literature in individuals affected with TBX3-related conditions. ClinVar contains an entry for this variant (Variation ID: 2811325). An algorithm developed to predict the effect of missense changes on protein structure and function (PolyPhen-2) suggests that this variant is likely to be tolerated. In summary, the available evidence is currently insufficient to determine the role of this variant in disease. Therefore, it has been classified as a Variant of Uncertain Significance.

NM_005996.4(TBX3):c.1016C>T (p.Thr339Ile)

Gene: TBX3 (T-box transcription factor 3; minus strand). Cytogenetic location: 12q24.21.
Variant type: single nucleotide variant.
Coding change: c.1016C>T on transcript NM_005996.4 (MANE Select); coding-DNA position 1016, C replaced by T.
Protein change: p.Thr339Ile; replaces threonine 339 with isoleucine.
Molecular consequence: missense variant.
Genome position (GRCh38, 1-based): chr12:114,676,336, G>A on the plus strand (C>T on the coding strand, the complement: TBX3 is on the minus strand). VCF-style: chr12-114676336-G-A. GRCh37 (hg19) VCF-style: chr12-115114141-G-A.
Other names: c.1076C>T, p.Thr359Ile (NM_016569.4); short protein forms T339I, T359I.
Identifiers: ClinVar variation 2811325 (VCV002811325.3), dbSNP rs370684735, ClinGen allele CA386869805.
Genomic context (GRCh38, chr12:114,676,336, plus strand): 5'-ACTGGAGTCCAGTGATCACAAAGGTGACATGGTTTACCTTTGAGGTTCGATGTCCCTACA[G>A]TGGAGGCGGCTGGAGAAGAAGCCTGGGCGAAGCAGTTGAAAGCTGCTTGTTCACTGGAGG-3'
Protein context (NP_005987.3, residues 329-349): FAQASSPAAS[Thr339Ile]VGTSNLKDLC